The following is an entry in ClinVar:

NM_000548.5(TSC2):c.3471A>G (p.Gly1157=)

Gene: TSC2 (TSC complex subunit 2; plus strand). Cytogenetic location: 16p13.3.
Variant type: single nucleotide variant.
Coding change: c.3471A>G on transcript NM_000548.5 (MANE Select); coding-DNA position 3471, A replaced by G.
Protein change: p.Gly1157=; no amino-acid change (glycine 1157 retained).
Molecular consequence: synonymous variant.
Genome position (GRCh38, 1-based): chr16:2,080,238, A>G. VCF-style: chr16-2080238-A-G. GRCh37 (hg19) VCF-style: chr16-2130239-A-G.
Other names: c.3339A>G, p.Gly1113= (NM_001077183.3, NM_001370404.1); c.3471A>G, p.Gly1157= (NM_001114382.3); c.3231A>G, p.Gly1077= (NM_001318827.2); c.3195A>G, p.Gly1065= (NM_001318829.2); c.2739A>G, p.Gly913= (NM_001318831.2); c.3372A>G, p.Gly1124= (NM_001318832.2); c.3342A>G, p.Gly1114= (NM_001363528.2, NM_001370405.1, NM_021055.3); c.3471A>G (NM_000548.3).
Identifiers: ClinVar variation 1643219 (VCV001643219.10), dbSNP rs1192862238, ClinGen allele CA493042874.

ClinVar aggregate classification (germline): Benign/Likely benign. Review status: criteria provided, multiple submitters, no conflicts (2 of 4 stars). 3 submissions from 3 submitters: Benign (1); Likely benign (2). Last evaluated 2026-09-06.

Conditions:
Tuberous sclerosis 2 (TSC2). Identifiers: Orphanet 805, MedGen C1860707, MONDO:0013199, OMIM 613254.
Hereditary cancer-predisposing syndrome. Also called: Tumor predisposition; Hereditary neoplastic syndrome; Neoplastic Syndromes, Hereditary; Hereditary Cancer Syndrome. Identifiers: Orphanet 140162, MedGen C0027672, MeSH D009386, MONDO:0015356.

Allele frequency attached by ClinVar (database versions not stated): gnomAD exomes below 0.00001; TOPMed below 0.00001.
gnomAD v4.1: 1 of 1,612,924 alleles (0.000062%); highest among the groups gnomAD compares: African/African-American, 0.0013%; no homozygotes.

Submissions (3):

Ambry Genetics
Classification: Likely benign for Hereditary cancer-predisposing syndrome. Last evaluated: 2026-09-06. Review status: criteria provided, single submitter. Criteria: Ambry Variant Classification Scheme 2023. Collection method: clinical testing. Allele origin: germline.

Labcorp Genetics (formerly Invitae), Labcorp
Classification: Likely benign for Tuberous sclerosis 2. Last evaluated: 2025-10-30. Review status: criteria provided, single submitter. Criteria: Invitae Variant Classification Sherloc (09022015). Collection method: clinical testing. Allele origin: germline.

Myriad Genetics, Inc.
Classification: Benign for Tuberous sclerosis 2. Last evaluated: 2025-05-29. Review status: criteria provided, single submitter. Criteria: Myriad Autosomal Dominant, Autosomal Recessive and X-Linked Classification Criteria (2023). Collection method: clinical testing. Allele origin: unknown.
Comment: This variant is considered benign. This variant is a silent/synonymous amino acid change and it is not expected to impact splicing.